The following is an entry in ClinVar:

NM_001378454.1(ALMS1):c.3086T>A (p.Val1029Asp)

Gene: ALMS1 (ALMS1 centrosome and basal body associated protein; plus strand). Cytogenetic location: 2p13.1.
Variant type: single nucleotide variant.
Coding change: c.3086T>A on transcript NM_001378454.1 (MANE Select); coding-DNA position 3086, T replaced by A.
Protein change: p.Val1029Asp; replaces valine 1029 with aspartic acid.
Molecular consequence: missense variant.
Genome position (GRCh38, 1-based): chr2:73,449,613, T>A. VCF-style: chr2-73449613-T-A. GRCh37 (hg19) VCF-style: chr2-73676740-T-A.
Other names: c.3089T>A, p.Val1030Asp (NM_015120.4); short protein forms V1029D, V1030D.
Identifiers: ClinVar variation 1727425 (VCV001727425.2), dbSNP rs2466096845, ClinGen allele CA347273749.

ClinVar aggregate classification (germline): Uncertain significance (1 of 4 stars; one submission).

Conditions:
Cardiovascular phenotype. Identifiers: MedGen CN230736.

gnomAD v4.1: 2 of 1,614,040 alleles (0.00012%); highest among the groups gnomAD compares: Non-Finnish European, 0.00017%; no homozygotes.

Submission:

Ambry Genetics
Classification: Uncertain significance for Cardiovascular phenotype. Last evaluated: 2022-07-01. Review status: criteria provided, single submitter. Criteria: Ambry Variant Classification Scheme 2023. Collection method: clinical testing. Allele origin: germline.
Comment: The p.V1030D variant (also known as c.3089T>A), located in coding exon 8 of the ALMS1 gene, results from a T to A substitution at nucleotide position 3089. The valine at codon 1030 is replaced by aspartic acid, an amino acid with highly dissimilar properties. This amino acid position is not well conserved in available vertebrate species. In addition, this alteration is predicted to be tolerated by in silico analysis. Since supporting evidence is limited at this time, the clinical significance of this alteration remains unclear.